The following is an entry in ClinVar:

ClinVar aggregate classification (germline): Likely pathogenic (1 of 4 stars; one submission).

Conditions:
Polycystic kidney disease 4 (PKD4). Also called: POLYCYSTIC KIDNEY DISEASE 4 WITH OR WITHOUT POLYCYSTIC LIVER DISEASE; POLYCYSTIC KIDNEY AND HEPATIC DISEASE 1; POLYCYSTIC KIDNEY DISEASE, INFANTILE, TYPE I; PKD3; Autosomal Recessive Polycystic Kidney Disease – PKHD1. Identifiers: MedGen C4540575, MONDO:0033004, OMIM 263200.

Submission:

Victorian Clinical Genetics Services, Murdoch Childrens Research Institute
Classification: Likely pathogenic for Polycystic kidney disease 4. Last evaluated: 2024-10-09. Review status: criteria provided, single submitter. Criteria: ACMG Guidelines, 2015. Collection method: clinical testing. Allele origin: germline. Inheritance: Autosomal recessive inheritance. Affected: yes.
Comment: Based on the classification scheme VCGS_Germline_v1.3.4, this variant is classified as Likely pathogenic. Following criteria are met: 0102 - Loss of function is a known mechanism of disease in this gene and is associated with polycystic kidney disease 4, with or without hepatic disease (MIM#263200). (I) 0106 - This gene is associated with autosomal recessive disease, however there are emerging reports of heterozygous carriers of PKHD1 variants developing liver cysts and nephrocalcinosis (PMID: 21945273). (I) 0115 - Variants in this gene are known to have variable expressivity. Significant intrafamilial variability has been reported (PMID: 20301501). (I) 0200 - Variant is predicted to result in a missense amino acid change from asparagine to histidine. (I) 0252 - This variant is homozygous. (I) 0301 - Variant is absent from gnomAD (both v2 and v3). (SP) 0309 - An alternative amino acid change at the same position has been observed in gnomAD (v2) (7 heterozygotes, 0 homozygotes). (I) 0501 - Missense variant consistently predicted to be damaging by multiple in silico tools or highly conserved with a major amino acid change. (SP) 0604 - Variant is not located in an established domain, motif, hotspot or informative constraint region. (I) 0708 - Another missense variant comparable to the one identified in this case has conflicting previous evidence for pathogenicity. This alternative change, p.(Asn1744Ser), has been reported once in an individual with polycystic kidney disease (PMID: 30076350), and is entered twice as a VUS in ClinVar. (I) 0803 - This variant has limited previous evidence of pathogenicity in an unrelated individual. (SP) 0903 - This variant has limited evidence for segregation with disease. This variant was observed as homozygous in three affected siblings with polycystic kidney disease (PMID: 15698423). (SP) 1007 - No published functional evidence has been identified for this variant. (I) Legend: (SP) - Supporting pathogenic, (I) - Information, (SB) - Supporting benign

Literature cited by the submitters: PubMed 15698423; PubMed 20301501; PubMed 21945273; PubMed 30076350.

NM_138694.4(PKHD1):c.5230A>C (p.Asn1744His)

Genes: PKHD1 (PKHD1 ciliary IPT domain containing fibrocystin/polyductin; minus strand), LOC126859690 (MED14-independent group 3 enhancer GRCh37_chr6:51888848-51890047; plus strand). Cytogenetic location: 6p12.2.
Variant type: single nucleotide variant.
Coding change: c.5230A>C on transcript NM_138694.4 (MANE Select); coding-DNA position 5230, A replaced by C.
Protein change: p.Asn1744His; replaces asparagine 1744 with histidine.
Molecular consequence: missense variant.
Genome position (GRCh38, 1-based): chr6:52,024,580, T>G on the plus strand (A>C on the coding strand, the complement: PKHD1 is on the minus strand). VCF-style: chr6-52024580-T-G. GRCh37 (hg19) VCF-style: chr6-51889378-T-G.
Other names: c.5230A>C, p.Asn1744His (NM_170724.3); short protein forms N1744H.
Identifiers: ClinVar variation 1699265 (VCV001699265.4), dbSNP rs2128141336, ClinGen allele CA364428017.